The following is an entry in ClinVar:

NM_002485.5(NBN):c.2066A>G (p.Lys689Arg)

Gene: NBN (nibrin; minus strand). Cytogenetic location: 8q21.3.
Variant type: single nucleotide variant.
Coding change: c.2066A>G on transcript NM_002485.5 (MANE Select); coding-DNA position 2066, A replaced by G.
Protein change: p.Lys689Arg; replaces lysine 689 with arginine.
Molecular consequence: missense variant.
Genome position (GRCh38, 1-based): chr8:89,946,144, T>C on the plus strand (A>G on the coding strand, the complement: NBN is on the minus strand). VCF-style: chr8-89946144-T-C. GRCh37 (hg19) VCF-style: chr8-90958372-T-C.
Other names: c.1820A>G, p.Lys607Arg (NM_001024688.3); short protein forms K689R, K607R.
Identifiers: ClinVar variation 492109 (VCV000492109.11), dbSNP rs1554556458, ClinGen allele CA371676320.

ClinVar aggregate classification (germline): Uncertain significance. Review status: criteria provided, multiple submitters, no conflicts (2 of 4 stars). 3 submissions from 3 submitters: Uncertain significance (2). 1 of the submissions does not count toward it. Last evaluated 2026-07-06.

Conditions:
Hereditary cancer-predisposing syndrome. Also called: Hereditary Cancer Syndrome; Tumor predisposition; Hereditary neoplastic syndrome; Neoplastic Syndromes, Hereditary. Identifiers: Orphanet 140162, MedGen C0027672, MeSH D009386, MONDO:0015356.
Microcephaly, normal intelligence and immunodeficiency (NBS). Also called: BERLIN BREAKAGE SYNDROME; IMMUNODEFICIENCY, MICROCEPHALY, AND CHROMOSOMAL INSTABILITY; Ataxia telangiectasia variant V1; SEEMANOVA SYNDROME II; Immunodeficiency, microcephaly with normal intelligence; Nijmegen breakage syndrome. Identifiers: Orphanet 647, MedGen C0398791, MONDO:0009623, OMIM 251260.

Allele frequency attached by ClinVar (database versions not stated): gnomAD exomes below 0.00001.
gnomAD v4.1: 1 of 1,578,746 alleles (0.000063%); highest among the groups gnomAD compares: Non-Finnish European, 0.000087%; no homozygotes.

Submissions (3):

Ambry Genetics
Classification: Uncertain significance for Hereditary cancer-predisposing syndrome. Last evaluated: 2026-07-06. Review status: criteria provided, single submitter. Criteria: Ambry Variant Classification Scheme 2023. Collection method: clinical testing. Allele origin: germline.
Comment: The p.K689R variant (also known as c.2066A>G), located in coding exon 13 of the NBN gene, results from an A to G substitution at nucleotide position 2066. The lysine at codon 689 is replaced by arginine, an amino acid with highly similar properties. This amino acid position is conserved. In addition, this alteration is predicted to be tolerated by in silico analysis. Based on the available evidence, the clinical significance of this variant remains unclear.

Labcorp Genetics (formerly Invitae), Labcorp
Classification: Uncertain significance for Microcephaly, normal intelligence and immunodeficiency. Last evaluated: 2024-03-06. Review status: criteria provided, single submitter. Criteria: Invitae Variant Classification Sherloc (09022015). Collection method: clinical testing. Allele origin: germline.
Comment: This sequence change replaces lysine, which is basic and polar, with arginine, which is basic and polar, at codon 689 of the NBN protein (p.Lys689Arg). This variant is not present in population databases (gnomAD no frequency). This variant has not been reported in the literature in individuals affected with NBN-related conditions. ClinVar contains an entry for this variant (Variation ID: 492109). Algorithms developed to predict the effect of missense changes on protein structure and function output the following: SIFT: "Not Available"; PolyPhen-2: "Possibly Damaging"; Align-GVGD: "Not Available". The arginine amino acid residue is found in multiple mammalian species, which suggests that this missense change does not adversely affect protein function. In summary, the available evidence is currently insufficient to determine the role of this variant in disease. Therefore, it has been classified as a Variant of Uncertain Significance.

Natera, Inc.
Classification: Uncertain significance for Nijmegen breakage syndrome. Last evaluated: 2025-03-06. Review status: no assertion criteria provided. Collection method: clinical testing. Allele origin: germline. Not counted in ClinVar's aggregate classification.